The following is an entry in ClinVar:

ClinVar aggregate classification (germline): Uncertain significance. Review status: criteria provided, multiple submitters, no conflicts (2 of 4 stars). 2 submissions from 2 submitters: Uncertain significance (2). Last evaluated 2025-06-12.

Conditions:
Long QT syndrome (LQTS). Identifiers: MedGen C0023976, MeSH D008133, MONDO:0002442. Disease mechanism: loss of function. Inheritance: Various modes of inheritance.

Allele frequency attached by ClinVar (database versions not stated): gnomAD exomes 0.00001; ExAC 0.00002; gnomAD 0.00003; TOPMed 0.00003; 1000 Genomes Project 30x 0.00016; 1000 Genomes Project 0.00020.

Submissions (2):

Labcorp Genetics (formerly Invitae), Labcorp
Classification: Uncertain significance for Long QT syndrome. Last evaluated: 2025-06-12. Review status: criteria provided, single submitter. Criteria: Invitae Variant Classification Sherloc (09022015). Collection method: clinical testing. Allele origin: germline.
Comment: This sequence change replaces arginine, which is basic and polar, with histidine, which is basic and polar, at codon 488 of the KCNH2 protein (p.Arg488His). This variant is present in population databases (rs546266276, gnomAD 0.008%). This variant has not been reported in the literature in individuals affected with KCNH2-related conditions. ClinVar contains an entry for this variant (Variation ID: 1412315). An algorithm developed to predict the effect of missense changes on protein structure and function (PolyPhen-2) suggests that this variant is likely to be disruptive. In summary, the available evidence is currently insufficient to determine the role of this variant in disease. Therefore, it has been classified as a Variant of Uncertain Significance.

All of Us Research Program, National Institutes of Health
Classification: Uncertain significance for Long QT syndrome. Last evaluated: 2023-08-15. Review status: criteria provided, single submitter. Criteria: ACMG Guidelines, 2015. Collection method: clinical testing. Allele origin: germline. Inheritance: Autosomal dominant inheritance. Observed: 2 variant alleles, 2 heterozygotes.
Comment: This missense variant replaces arginine with histidine at codon 488 of the KCNH2 protein. Computational prediction suggests that this variant may have deleterious impact on protein structure and function (internally defined REVEL score threshold >= 0.7, PMID: 27666373). To our knowledge, functional studies have not been reported for this variant. This variant has not been reported in individuals affected with KCNH2-related disorders in the literature. This variant has been identified in 4/282834 chromosomes in the general population by the Genome Aggregation Database (gnomAD). The available evidence is insufficient to determine the role of this variant in disease conclusively. Therefore, this variant is classified as a Variant of Uncertain Significance.

This study involves interpretation of variants in research participants for the purpose of population health screening. Participant phenotype was not available at the time of variant classification. Additional details can be found in publication PMID: 35346344, PMCID: PMC8962531

NM_000238.4(KCNH2):c.1463G>A (p.Arg488His)

Gene: KCNH2 (potassium voltage-gated channel subfamily H member 2; minus strand). Cytogenetic location: 7q36.1.
Variant type: single nucleotide variant.
Coding change: c.1463G>A on transcript NM_000238.4 (MANE Select); coding-DNA position 1463, G replaced by A.
Protein change: p.Arg488His; replaces arginine 488 with histidine.
Molecular consequence: missense variant.
Genome position (GRCh38, 1-based): chr7:150,952,519, C>T on the plus strand (G>A on the coding strand, the complement: KCNH2 is on the minus strand). VCF-style: chr7-150952519-C-T. GRCh37 (hg19) VCF-style: chr7-150649607-C-T.
Other names: c.443G>A, p.Arg148His (NM_001204798.2, NM_172057.3); c.1175G>A, p.Arg392His (NM_001406753.1, NM_001406756.1); c.1286G>A, p.Arg429His (NM_001406755.1); c.1163G>A, p.Arg388His (NM_001406757.1); c.1463G>A, p.Arg488His (NM_172056.3); short protein forms R488H, R148H, R388H, R429H, R392H.
Identifiers: ClinVar variation 1412315 (VCV001412315.10), dbSNP rs546266276, ClinGen allele CA028095.